The following is an entry in ClinVar:

ClinVar aggregate classification (germline): Likely benign (1 of 4 stars; one submission).

Allele frequency attached by ClinVar (database versions not stated): gnomAD exomes 0.00005; ExAC 0.00010; TOPMed 0.00017; gnomAD 0.00019; ESP Exome Variant Server 0.00039.
gnomAD v4.1: 97 of 1,611,990 alleles (0.006%); highest among the groups gnomAD compares: African/African-American, 0.047%; 1 homozygote.

Submission:

CeGaT Center for Human Genetics Tuebingen
Classification: Likely benign. Last evaluated: 2022-05-01. Review status: criteria provided, single submitter. Criteria: CeGaT Center For Human Genetics Tuebingen Variant Classification Criteria Version 2. Collection method: clinical testing. Allele origin: germline. Affected: yes. Observed: 1 variant allele.
Comment: PLIN4: BP4, BP7

NM_001367868.2(PLIN4):c.3123G>A (p.Ala1041=)

Gene: PLIN4 (perilipin 4; minus strand). Cytogenetic location: 19p13.3.
Variant type: single nucleotide variant.
Coding change: c.3123G>A on transcript NM_001367868.2 (MANE Select); coding-DNA position 3123, G replaced by A.
Protein change: p.Ala1041=; no amino-acid change (alanine 1041 retained).
Molecular consequence: synonymous variant.
Genome position (GRCh38, 1-based): chr19:4,510,837, C>T on the plus strand (G>A on the coding strand, the complement: PLIN4 is on the minus strand). VCF-style: chr19-4510837-C-T. GRCh37 (hg19) VCF-style: chr19-4510849-C-T.
Other names: c.3126G>A, p.Ala1042= (NM_001393888.1, NM_001393889.1); c.3123G>A, p.Ala1041= (NM_001393890.1, NM_001393891.1).
Identifiers: ClinVar variation 2649040 (VCV002649040.24), dbSNP rs369001887, ClinGen allele CA9099777.